The following is an entry in ClinVar:

NM_020778.5(ALPK3):c.1207C>T (p.Pro403Ser)

Gene: ALPK3 (alpha kinase 3; plus strand). Cytogenetic location: 15q25.3.
Variant type: single nucleotide variant.
Coding change: c.1207C>T on transcript NM_020778.5 (MANE Select); coding-DNA position 1207, C replaced by T.
Protein change: p.Pro403Ser; replaces proline 403 with serine.
Molecular consequence: missense variant.
Genome position (GRCh38, 1-based): chr15:84,840,486, C>T. VCF-style: chr15-84840486-C-T. GRCh37 (hg19) VCF-style: chr15-85383717-C-T.
Other names: c.1813C>T (NM_020778.4); short protein forms P403S.
Identifiers: ClinVar variation 1410140 (VCV001410140.11), dbSNP rs761234447, ClinGen allele CA7709140.

ClinVar aggregate classification (germline): Uncertain significance. Review status: criteria provided, multiple submitters, no conflicts (2 of 4 stars). 3 submissions from 3 submitters: Uncertain significance (3). Last evaluated 2025-02-17.

Conditions:
Cardiovascular phenotype. Identifiers: MedGen CN230736.

Allele frequency attached by ClinVar (database versions not stated): gnomAD 0.00003; gnomAD exomes 0.00007 and 0.00018.

Submissions (3):

Labcorp Genetics (formerly Invitae), Labcorp
Classification: Uncertain significance. Last evaluated: 2025-02-17. Review status: criteria provided, single submitter. Criteria: Invitae Variant Classification Sherloc (09022015). Collection method: clinical testing. Allele origin: germline.
Comment: This sequence change replaces proline, which is neutral and non-polar, with serine, which is neutral and polar, at codon 605 of the ALPK3 protein (p.Pro605Ser). This variant is present in population databases (rs761234447, gnomAD 0.1%). This variant has not been reported in the literature in individuals affected with ALPK3-related conditions. ClinVar contains an entry for this variant (Variation ID: 1410140). An algorithm developed to predict the effect of missense changes on protein structure and function (PolyPhen-2) suggests that this variant is likely to be tolerated. In summary, the available evidence is currently insufficient to determine the role of this variant in disease. Therefore, it has been classified as a Variant of Uncertain Significance.

GeneDx
Classification: Uncertain significance. Last evaluated: 2024-02-22. Review status: criteria provided, single submitter. Criteria: GeneDx Variant Classification Process June 2021. Collection method: clinical testing. Allele origin: germline. Affected: yes.
Comment: Has not been previously published as pathogenic or benign to our knowledge; In silico analysis supports that this missense variant has a deleterious effect on protein structure/function

Ambry Genetics
Classification: Uncertain significance for Cardiovascular phenotype. Last evaluated: 2022-08-17. Review status: criteria provided, single submitter. Criteria: Ambry Variant Classification Scheme 2023. Collection method: clinical testing. Allele origin: germline.